The following is an entry in ClinVar:

NM_006031.6(PCNT):c.4903_4904inv (p.Glu1635Ser)

Gene: PCNT (pericentrin; plus strand). Cytogenetic location: 21q22.3.
Variant type: Inversion.
Coding change: c.4903_4904inv on transcript NM_006031.6 (MANE Select).
Protein change: p.Glu1635Ser; replaces glutamic acid 1635 with serine.
Molecular consequence: missense variant.
Genome position: GRCh38 VCF-style: chr21-46401662-GA-TC. GRCh37 (hg19) VCF-style: chr21-47821576-GA-TC.
Other names: c.4549_4550inv, p.Glu1517Ser (NM_001315529.2); short protein forms E1517S, E1635S.
Identifiers: ClinVar variation 4996147 (VCV004996147.1).

ClinVar aggregate classification (germline): Uncertain significance (1 of 4 stars; one submission).

Conditions:
PCNT-related disorder. Also called: PCNT-related condition.

Submission:

PreventionGenetics, part of Exact Sciences
Classification: Uncertain significance for PCNT-related condition. Last evaluated: 2026-04-30. Review status: criteria provided, single submitter. Criteria: ACMG Guidelines, 2015. Collection method: clinical testing. Allele origin: germline.
Comment: The PCNT c.4903_4904delinsTC variant is predicted to result in an in-frame deletion and insertion. To our knowledge, this variant has not been reported in the literature or in a large population database (gnomAD), indicating this variant is rare. At this time, the clinical significance of this variant is uncertain due to the absence of conclusive functional and genetic evidence.